The following is an entry in ClinVar:

ClinVar aggregate classification (germline): Uncertain significance (1 of 4 stars; one submission).

Conditions:
Hereditary cancer-predisposing syndrome. Also called: Hereditary Cancer Syndrome; Hereditary neoplastic syndrome; Neoplastic Syndromes, Hereditary; Tumor predisposition. Identifiers: Orphanet 140162, MedGen C0027672, MeSH D009386, MONDO:0015356.

Allele frequency attached by ClinVar (database versions not stated): TOPMed below 0.00001.
gnomAD v4.1: 3 of 1,611,532 alleles (0.00019%); highest among the groups gnomAD compares: Non-Finnish European, 0.00025%; no homozygotes.

Submission:

Ambry Genetics
Classification: Uncertain significance for Hereditary cancer-predisposing syndrome. Last evaluated: 2024-05-18. Review status: criteria provided, single submitter. Criteria: Ambry Variant Classification Scheme 2023. Collection method: clinical testing. Allele origin: germline.
Comment: The p.I349F variant (also known as c.1045A>T), located in coding exon 6 of the KIT gene, results from an A to T substitution at nucleotide position 1045. The isoleucine at codon 349 is replaced by phenylalanine, an amino acid with highly similar properties. This amino acid position is conserved. In addition, this alteration is predicted to be tolerated by in silico analysis. Since supporting evidence is limited at this time, the clinical significance of this alteration remains unclear.

NM_000222.3(KIT):c.1045A>T (p.Ile349Phe)

Gene: KIT (KIT proto-oncogene, receptor tyrosine kinase; plus strand). Cytogenetic location: 4q12.
Variant type: single nucleotide variant.
Coding change: c.1045A>T on transcript NM_000222.3 (MANE Select); coding-DNA position 1045, A replaced by T.
Protein change: p.Ile349Phe; replaces isoleucine 349 with phenylalanine.
Molecular consequence: missense variant.
Genome position (GRCh38, 1-based): chr4:54,707,217, A>T. VCF-style: chr4-54707217-A-T. GRCh37 (hg19) VCF-style: chr4-55573383-A-T.
Other names: c.1045A>T, p.Ile349Phe (NM_001093772.2, NM_001385285.1, NM_001385286.1); c.1048A>T, p.Ile350Phe (NM_001385284.1, NM_001385288.1, NM_001385290.1 and 1 more transcripts); short protein forms I349F, I350F.
Identifiers: ClinVar variation 1775236 (VCV001775236.3), dbSNP rs756286159, ClinGen allele CA356901037.